The following is an entry in ClinVar:

ClinVar aggregate classification (germline): Uncertain significance (1 of 4 stars; one submission).

Conditions:
Inborn genetic diseases. Identifiers: MedGen C0950123, MeSH D030342.

Submission:

Ambry Genetics
Classification: Uncertain significance for Inborn genetic diseases. Last evaluated: 2022-09-30. Review status: criteria provided, single submitter. Criteria: Ambry Variant Classification Scheme 2023. Collection method: clinical testing. Allele origin: germline.
Comment: The c.8638-1_8638insTATA alteration results from an insertion of TATA between nucleotide positions 8638-1 and 8638 and involves the canonical splice acceptor site before exon 44 (coding exon 44) of the DYNC1H1 gene. Alterations that disrupt the canonical splice site are expected to cause aberrant splicing, resulting in an abnormal protein or a transcript that is subject to nonsense-mediated mRNA decay. As such, this alteration is classified as likely pathogenic. This variant was not reported in population-based cohorts in the Genome Aggregation Database (gnomAD). In silico splice site analysis predicts that this alteration will result in the creation or strengthening of a novel splice acceptor site. Based on insufficient or conflicting evidence, the clinical significance of this alteration remains unclear.

NM_001376.5(DYNC1H1):c.8637_8638insTATA (p.Asp2880fs)

Gene: DYNC1H1 (dynein cytoplasmic 1 heavy chain 1; plus strand). Cytogenetic location: 14q32.31.
Variant type: Insertion.
Coding change: c.8637_8638insTATA on transcript NM_001376.5 (MANE Select); coding-DNA positions 8637 to 8638, TATA inserted.
Protein change: p.Asp2880fs; shifts the reading frame from aspartic acid 2880.
Molecular consequence: frameshift variant.
Genome position: GRCh38 VCF-style: chr14-102026573-G-GTATA. GRCh37 (hg19) VCF-style: chr14-102492910-G-GTATA.
Other names: short protein forms D2880fs.
Identifiers: ClinVar variation 2308689 (VCV002308689.2), dbSNP rs2503801378, ClinGen allele CA2580088426.